The following is an entry in ClinVar:

NM_000257.4(MYH7):c.4396G>T (p.Glu1466Ter)

Genes: MHRT (myosin heavy chain associated RNA transcript; plus strand), MYH7 (myosin heavy chain 7; minus strand). Cytogenetic location: 14q11.2.
Variant type: single nucleotide variant.
Coding change: c.4396G>T on transcript NM_000257.4 (MANE Select); coding-DNA position 4396, G replaced by T.
Protein change: p.Glu1466Ter; replaces glutamic acid 1466 with a stop codon.
Molecular consequence: nonsense. On other transcripts: non-coding transcript variant (1).
Genome position (GRCh38, 1-based): chr14:23,417,276, C>A on the plus strand (G>T on the coding strand, the complement: MYH7 is on the minus strand). VCF-style: chr14-23417276-C-A. GRCh37 (hg19) VCF-style: chr14-23886485-C-A.
Other names: c.4396G>T, p.Glu1466Ter (NM_001407004.1); short protein forms E1466*.
Identifiers: ClinVar variation 2200341 (VCV002200341.5), dbSNP rs1595074843, ClinGen allele CA389038710.

ClinVar aggregate classification (germline): Uncertain significance. Review status: criteria provided, multiple submitters, no conflicts (2 of 4 stars). 2 submissions from 2 submitters: Uncertain significance (2). Last evaluated 2023-11-06.

Conditions:
Cardiomyopathy (CMYO). Also called: Cardiomyopathies. Identifiers: Orphanet 167848, MedGen C0878544, MONDO:0004994, HP:0001638. Inheritance: Various modes of inheritance.
Hypertrophic cardiomyopathy. Also called: HYPERTROPHIC MYOCARDIOPATHY. Identifiers: Orphanet 217569, MedGen C0007194, MeSH D002312, MONDO:0005045, HP:0001639.

Allele frequency attached by ClinVar (database versions not stated): gnomAD exomes below 0.00001.
gnomAD v4.1: 1 of 1,614,204 alleles (0.000062%); highest among the groups gnomAD compares: Non-Finnish European, 0.000085%; no homozygotes.

Submissions (2):

Color Diagnostics, LLC DBA Color Health
Classification: Uncertain significance for Cardiomyopathy. Last evaluated: 2023-11-06. Review status: criteria provided, single submitter. Criteria: ACMG Guidelines, 2015. Collection method: clinical testing. Allele origin: germline.
Comment: This variant changes 1 nucleotide in exon 32 of the MYH7 gene, creating a premature translation stop signal. This variant is expected to result in an absent or non-functional protein product. To our knowledge, this variant has not been reported in individuals affected with MYH7-related disorders in the literature. This variant has not been identified in the general population by the Genome Aggregation Database (gnomAD). Clinical relevance of loss-of-function MYH7 truncation variants in autosomal dominant cardiovascular disorders is not clearly established. The available evidence is insufficient to determine the role of this variant in disease conclusively. Therefore, this variant is classified as a Variant of Uncertain Significance.

Labcorp Genetics (formerly Invitae), Labcorp
Classification: Uncertain significance for Hypertrophic cardiomyopathy. Last evaluated: 2022-06-28. Review status: criteria provided, single submitter. Criteria: Invitae Variant Classification Sherloc (09022015). Collection method: clinical testing. Allele origin: germline.
Comment: This variant is not present in population databases (gnomAD no frequency). This variant has not been reported in the literature in individuals affected with MYH7-related conditions. In summary, the available evidence is currently insufficient to determine the role of this variant in disease. Therefore, it has been classified as a Variant of Uncertain Significance. This sequence change creates a premature translational stop signal (p.Glu1466*) in the MYH7 gene. It is expected to result in an absent or disrupted protein product. However, the current clinical and genetic evidence is not sufficient to establish whether loss-of-function variants in MYH7 cause disease.